The following is an entry in ClinVar:

NM_000719.7(CACNA1C):c.3500T>C (p.Val1167Ala)

Gene: CACNA1C (calcium voltage-gated channel subunit alpha1 C; plus strand). Cytogenetic location: 12p13.33.
Variant type: single nucleotide variant.
Coding change: c.3500T>C on transcript NM_000719.7 (MANE Select); coding-DNA position 3500, T replaced by C.
Protein change: p.Val1167Ala; replaces valine 1167 with alanine.
Molecular consequence: missense variant.
Genome position (GRCh38, 1-based): chr12:2,608,654, T>C. VCF-style: chr12-2608654-T-C. GRCh37 (hg19) VCF-style: chr12-2717820-T-C.
Other names: c.3500T>C, p.Val1167Ala (NM_001129830.3, NM_001129831.2, NM_001129833.2 and 15 more transcripts); c.3560T>C, p.Val1187Ala (NM_001129832.2, NM_001129827.2, NM_199460.4); c.3491T>C, p.Val1164Ala (NM_001129844.2); short protein forms V1164A, V1167A, V1187A.
Identifiers: ClinVar variation 1309258 (VCV001309258.8), dbSNP rs2153440081, ClinGen allele CA383375591.

ClinVar aggregate classification (germline): Pathogenic/Likely pathogenic. Review status: criteria provided, multiple submitters, no conflicts (2 of 4 stars). 3 submissions from 3 submitters: Pathogenic (2); Likely pathogenic (1). Last evaluated 2023-12-19.

Conditions:
Long QT syndrome (LQTS). Identifiers: MedGen C0023976, MeSH D008133, MONDO:0002442. Disease mechanism: loss of function. Inheritance: Various modes of inheritance.
Timothy syndrome (TS). Also called: LONG QT SYNDROME WITH SYNDACTYLY. Identifiers: Orphanet 65283, MedGen C1832916, MeSH C536962, MONDO:0010979, OMIM 601005.

Submissions (3):

Labcorp Genetics (formerly Invitae), Labcorp
Classification: Pathogenic for Long QT syndrome. Last evaluated: 2023-12-19. Review status: criteria provided, single submitter. Criteria: Invitae Variant Classification Sherloc (09022015). Collection method: clinical testing. Allele origin: germline.
Comment: This sequence change replaces valine, which is neutral and non-polar, with alanine, which is neutral and non-polar, at codon 1167 of the CACNA1C protein (p.Val1167Ala). This variant is not present in population databases (gnomAD no frequency). This missense change has been observed in individual(s) with Clinical features of Timothy syndrome (PMID: 34163037). In at least one individual the variant was observed to be de novo. ClinVar contains an entry for this variant (Variation ID: 1309258). Advanced modeling of protein sequence and biophysical properties (such as structural, functional, and spatial information, amino acid conservation, physicochemical variation, residue mobility, and thermodynamic stability) performed at Invitae indicates that this missense variant is expected to disrupt CACNA1C protein function with a positive predictive value of 95%. For these reasons, this variant has been classified as Pathogenic.

GeneDx
Classification: Likely pathogenic. Last evaluated: 2023-06-21. Review status: criteria provided, single submitter. Criteria: GeneDx Variant Classification Process June 2021. Collection method: clinical testing. Allele origin: germline. Affected: yes.
Comment: In silico analysis supports that this missense variant has a deleterious effect on protein structure/function; Not observed at significant frequency in large population cohorts (gnomAD); This variant is associated with the following publications: (PMID: 34163037)

Mendelics
Classification: Pathogenic for Timothy syndrome. Last evaluated: 2022-05-04. Review status: criteria provided, single submitter. Criteria: Mendelics Assertion Criteria 2019. Collection method: clinical testing. Allele origin: germline.

Literature cited by the submitters: PubMed 34163037 (cited by Labcorp Genetics (formerly Invitae), Labcorp).